The following is an entry in ClinVar:

ClinVar aggregate classification (germline): Uncertain significance (1 of 4 stars; one submission).

Conditions:
Aniridia 1 (AN1). Identifiers: Orphanet 250923, MedGen C0344542, MONDO:0024507, OMIM 106210.
Irido-corneo-trabecular dysgenesis (ASGD5). Also called: ANTERIOR SEGMENT DYSGENESIS 5. Identifiers: Orphanet 708, MedGen C0344559, MONDO:0011414, OMIM 604229, HP:0000659.

Submission:

Labcorp Genetics (formerly Invitae), Labcorp
Classification: Uncertain significance for Aniridia 1; Irido-corneo-trabecular dysgenesis. Last evaluated: 2024-10-15. Review status: criteria provided, single submitter. Criteria: Invitae Variant Classification Sherloc (09022015). Collection method: clinical testing. Allele origin: germline.
Comment: This sequence change replaces histidine, which is basic and polar, with asparagine, which is neutral and polar, at codon 376 of the PAX6 protein (p.His376Asn). This variant is not present in population databases (gnomAD no frequency). This variant has not been reported in the literature in individuals affected with PAX6-related conditions. ClinVar contains an entry for this variant (Variation ID: 1981981). Invitae Evidence Modeling of protein sequence and biophysical properties (such as structural, functional, and spatial information, amino acid conservation, physicochemical variation, residue mobility, and thermodynamic stability) indicates that this missense variant is not expected to disrupt PAX6 protein function with a negative predictive value of 95%. In summary, the available evidence is currently insufficient to determine the role of this variant in disease. Therefore, it has been classified as a Variant of Uncertain Significance.

NM_001368894.2(PAX6):c.1168C>A (p.His390Asn)

Gene: PAX6 (paired box 6; minus strand). Cytogenetic location: 11p13.
Variant type: single nucleotide variant.
Coding change: c.1168C>A on transcript NM_001368894.2 (MANE Select); coding-DNA position 1168, C replaced by A.
Protein change: p.His390Asn; replaces histidine 390 with asparagine.
Molecular consequence: missense variant. On other transcripts: non-coding transcript variant (1), intron variant (9).
Genome position (GRCh38, 1-based): chr11:31,790,767, G>T on the plus strand (C>A on the coding strand, the complement: PAX6 is on the minus strand). VCF-style: chr11-31790767-G-T. GRCh37 (hg19) VCF-style: chr11-31812315-G-T.
Other names: c.718C>A, p.His240Asn (NM_001368902.2, NM_001368903.2, NM_001368904.2 and 10 more transcripts); c.1369C>A, p.His457Asn (NM_001368910.2); c.1243C>A, p.His415Asn (NM_001368918.2, NM_001368919.2); c.1201C>A, p.His401Asn (NM_001368920.2); c.967C>A, p.His323Asn (NM_001368922.2, NM_001368923.2, NM_001368924.2 and 3 more transcripts); c.925C>A, p.His309Asn (NM_001368928.2); c.523C>A, p.His175Asn (NM_001368930.2); c.1168C>A, p.His390Asn (NM_001604.6, NM_001258462.3, NM_001258463.2 and 3 more transcripts); and 6 more; short protein forms H175N, H323N, H401N, H457N, H240N, H309N, H415N, H376N.
Identifiers: ClinVar variation 1981981 (VCV001981981.4), dbSNP rs1949649919, ClinGen allele CA379967215.
Genomic context (GRCh38, chr11:31,790,767, plus strand): 5'-CACCTGTTGAAGTGGTGCCCGAGGTGCCCATTGGCTGACTGTTCATGTGTGTCTGCATAT[G>T]TGGGGGGGTGTAGGTATCATAACTCCGCCCATTCACCGAAGGGCTGGTGGGCAGCATGCA-3'
Protein context (NP_001355823.1, residues 380-400): GRSYDTYTPP[His390Asn]MQTHMNSQPM